The following is an entry in ClinVar:

NM_002471.4(MYH6):c.3658G>C (p.Glu1220Gln)

Gene: MYH6 (myosin heavy chain 6; minus strand). Cytogenetic location: 14q11.2.
Variant type: single nucleotide variant.
Coding change: c.3658G>C on transcript NM_002471.4 (MANE Select); coding-DNA position 3658, G replaced by C.
Protein change: p.Glu1220Gln; replaces glutamic acid 1220 with glutamine.
Molecular consequence: missense variant.
Genome position (GRCh38, 1-based): chr14:23,390,131, C>G on the plus strand (G>C on the coding strand, the complement: MYH6 is on the minus strand). VCF-style: chr14-23390131-C-G. GRCh37 (hg19) VCF-style: chr14-23859340-C-G.
Other names: short protein forms E1220Q.
Identifiers: ClinVar variation 933919 (VCV000933919.11), dbSNP rs1180345753, ClinGen allele CA389005502.

ClinVar aggregate classification (germline): Uncertain significance. Review status: criteria provided, multiple submitters, no conflicts (2 of 4 stars). 2 submissions from 2 submitters: Uncertain significance (2). Last evaluated 2025-04-21.

Conditions:
Cardiovascular phenotype. Identifiers: MedGen CN230736.
Hypertrophic cardiomyopathy 14. Identifiers: MedGen C2750467, MONDO:0013197, OMIM 613251.

Allele frequency attached by ClinVar (database versions not stated): gnomAD exomes below 0.00001 and 0.00001.
gnomAD v4.1: 2 of 1,611,880 alleles (0.00012%); highest among the groups gnomAD compares: Non-Finnish European, 0.000085%; no homozygotes.

Submissions (2):

Labcorp Genetics (formerly Invitae), Labcorp
Classification: Uncertain significance for Hypertrophic cardiomyopathy 14. Last evaluated: 2025-04-21. Review status: criteria provided, single submitter. Criteria: Invitae Variant Classification Sherloc (09022015). Collection method: clinical testing. Allele origin: germline.
Comment: This sequence change replaces glutamic acid, which is acidic and polar, with glutamine, which is neutral and polar, at codon 1220 of the MYH6 protein (p.Glu1220Gln). This variant is present in population databases (no rsID available, gnomAD 0.002%). This variant has not been reported in the literature in individuals affected with MYH6-related conditions. ClinVar contains an entry for this variant (Variation ID: 933919). Invitae Evidence Modeling of protein sequence and biophysical properties (such as structural, functional, and spatial information, amino acid conservation, physicochemical variation, residue mobility, and thermodynamic stability) indicates that this missense variant is not expected to disrupt MYH6 protein function with a negative predictive value of 80%. In summary, the available evidence is currently insufficient to determine the role of this variant in disease. Therefore, it has been classified as a Variant of Uncertain Significance.

Ambry Genetics
Classification: Uncertain significance for Cardiovascular phenotype. Last evaluated: 2024-01-22. Review status: criteria provided, single submitter. Criteria: Ambry Variant Classification Scheme 2023. Collection method: clinical testing. Allele origin: germline.
Comment: The p.E1220Q variant (also known as c.3658G>C), located in coding exon 24 of the MYH6 gene, results from a G to C substitution at nucleotide position 3658. The glutamic acid at codon 1220 is replaced by glutamine, an amino acid with highly similar properties. This amino acid position is highly conserved in available vertebrate species. In addition, the in silico prediction for this alteration is inconclusive. Since supporting evidence is limited at this time, the clinical significance of this alteration remains unclear.